The following is an entry in ClinVar:

ClinVar aggregate classification (germline): Uncertain significance (1 of 4 stars; one submission).

Allele frequency attached by ClinVar (database versions not stated): gnomAD exomes below 0.00001.
gnomAD v4.1: 2 of 1,614,076 alleles (0.00012%); highest among the groups gnomAD compares: Non-Finnish European, 0.00017%; no homozygotes.

Submission:

GeneDx
Classification: Uncertain significance. Last evaluated: 2017-07-18. Review status: criteria provided, single submitter. Criteria: GeneDx Variant Classification (06012015). Collection method: clinical testing. Allele origin: germline. Affected: yes.
Comment: The L2421V variant has not been publishedas pathogenic or been reported as benign to our knowledge. Furthermore, it is not observed in large populationcohorts (Lek et al., 2016; 1000 Genomes Consortium et al., 2015; Exome Variant Server). This substitution occursat a position where only amino acids with similar properties to leucine are tolerated across species. However, L2421Vis a conservative amino acid substitution, which is not likely to impact secondary protein structure as these residuesshare similar properties. In silico analysis is inconsistent in its predictions as to whether or not the variant isdamaging to the protein structure/function.

NM_001148.6(ANK2):c.7261C>G (p.Leu2421Val)

Genes: ANK2 (ankyrin 2; plus strand), LOC126807137 (CDK7 strongly-dependent group 2 enhancer GRCh37_chr4:114276560-114277759; plus strand). Cytogenetic location: 4q26.
Variant type: single nucleotide variant.
Coding change: c.7261C>G on transcript NM_001148.6 (MANE Select); coding-DNA position 7261, C replaced by G.
Protein change: p.Leu2421Val; replaces leucine 2421 with valine.
Molecular consequence: missense variant. On other transcripts: intron variant (68).
Genome position (GRCh38, 1-based): chr4:113,355,879, C>G. VCF-style: chr4-113355879-C-G. GRCh37 (hg19) VCF-style: chr4-114277035-C-G.
Other names: c.7027C>G, p.Leu2343Val (NM_001386142.1); c.3661C>G, p.Leu1221Val (NM_001386166.1); c.7402C>G, p.Leu2468Val (NM_001386174.1); c.7378C>G, p.Leu2460Val (NM_001386175.1); c.4412-4944C>G (NM_001386186.2, NM_001386148.2); c.4214-4944C>G (NM_001354269.3); c.4292-4944C>G (NM_001386187.2); c.4253-4944C>G (NM_001386147.1); and 35 more; short protein forms L2421V, L1221V, L2343V, L2460V, L2468V.
Identifiers: ClinVar variation 450720 (VCV000450720.2), dbSNP rs755966886, ClinGen allele CA357929961.